The following is an entry in ClinVar:

ClinVar aggregate classification (germline): Uncertain significance (1 of 4 stars; one submission).

Conditions:
Variegate porphyria (VP). Also called: PORPHYRIA, SOUTH AFRICAN TYPE; PROTOPORPHYRINOGEN OXIDASE DEFICIENCY; PPOX DEFICIENCY. Identifiers: Orphanet 79473, MedGen C0162532, MONDO:0008297, OMIM 176200.
Variegate porphyria, childhood-onset (VPCO). Also called: VARIEGATE PORPHYRIA, HOMOZYGOUS VARIANT. Identifiers: MedGen C5882681, MONDO:0957577, OMIM 620483.

Submission:

New York Genome Center
Classification: Uncertain significance for Variegate porphyria. Last evaluated: 2023-06-10. Review status: criteria provided, single submitter. Criteria: NYGC Assertion Criteria 2020. Collection method: clinical testing. Allele origin: germline. Observed: 1 heterozygote.
Comment: The c.688C>T variant in PPOX has not previously been reported in the literature or public variant repositories (ClinVar and LOVD). The c.688C>T variant is observed in 3 alleles (~0.0005% minor allele frequency with 0 homozygotes) in population databases (gnomAD v2.1.1 and v3.1.2, TOPMed Freeze 8), suggesting it is not a common benign variant in the populations represented in those databases. The c.688C>T variant in PPOX is located in exon 7 of this 13-exon gene and predicted to replace an evolutionarily conserved arginine amino acid with cysteine at position 230 of the encoded protein. In silico predictions are slightly in favor of damaging effect for the p.(Arg230Cys) variant [(CADD v1.6 = 27.6, REVEL = 0.782)]; however, there are no functional studies to support or refute these predictions. Variants nearby p.Arg230 residue have been reported in the literature [PMID: 8852667, 21048046] and ClinVar [ClinVar ID: 86930] in individuals with variegate porphyria. Based on available evidence this c.688C>T p.(Arg230Cys) variant identified in PPOX is classified as a Variant of Uncertain Significance.

NM_001122764.3(PPOX):c.688C>T (p.Arg230Cys)

Gene: PPOX (protoporphyrinogen oxidase; plus strand). Cytogenetic location: 1q23.3.
Variant type: single nucleotide variant.
Coding change: c.688C>T on transcript NM_001122764.3 (MANE Select); coding-DNA position 688, C replaced by T.
Protein change: p.Arg230Cys; replaces arginine 230 with cysteine.
Molecular consequence: missense variant.
Genome position (GRCh38, 1-based): chr1:161,169,064, C>T. VCF-style: chr1-161169064-C-T. GRCh37 (hg19) VCF-style: chr1-161138854-C-T.
Other names: c.688C>T, p.Arg230Cys (NM_000309.5, NM_001365398.1, NM_001365399.1); c.589C>T, p.Arg197Cys (NM_001350128.2); c.280C>T, p.Arg94Cys (NM_001350129.2, NM_001365400.1); c.202C>T, p.Arg68Cys (NM_001350130.2, NM_001350131.2, NM_001365401.1); short protein forms R197C, R230C, R68C, R94C.
Identifiers: ClinVar variation 2665040 (VCV002665040.2), dbSNP rs775261607, ClinGen allele CA343354605.
Genomic context (GRCh38, chr1:161,169,064, plus strand): 5'-CAGCCAGACTCAGCACTCATTCGCCAGGCCTTGGCTGAGCGCTGGAGCCAGTGGTCACTT[C>T]GTGGAGGTCTAGAGATGTTGCCTCAGGCCCTTGAAACCCACCTGACTAGTAGGGGGGTCA-3'
Protein context (NP_001116236.1, residues 220-240): LAERWSQWSL[Arg230Cys]GGLEMLPQAL